The following is an entry in ClinVar:

NM_003119.4(SPG7):c.1642G>A (p.Ala548Thr)

Gene: SPG7 (SPG7 matrix AAA peptidase subunit, paraplegin; plus strand). Cytogenetic location: 16q24.3.
Variant type: single nucleotide variant.
Coding change: c.1642G>A on transcript NM_003119.4 (MANE Select); coding-DNA position 1642, G replaced by A.
Protein change: p.Ala548Thr; replaces alanine 548 with threonine.
Molecular consequence: missense variant.
Genome position (GRCh38, 1-based): chr16:89,548,092, G>A. VCF-style: chr16-89548092-G-A. GRCh37 (hg19) VCF-style: chr16-89614500-G-A.
Other names: c.1642G>A, p.Ala548Thr (NM_001363850.1); short protein forms A548T.
Identifiers: ClinVar variation 2085062 (VCV002085062.1), dbSNP rs771640502, ClinGen allele CA8244292.
Genomic context (GRCh38, chr16:89,548,092, plus strand): 5'-GCTGCGCTGCACGCGGCGCGGGAGGGACACACTTCCGTGCACACTCTCAACTTCGAGTAC[G>A]CCGTGGAGCGCGTCCTCGCAGGTACAGGGGGCGCGCCCTGGGTGAAGGCCCTCCTTAGCA-3'
Protein context (NP_003110.1, residues 538-558): TSVHTLNFEY[Ala548Thr]VERVLAGTAK

ClinVar aggregate classification (germline): Uncertain significance (1 of 4 stars; one submission).

Conditions:
Hereditary spastic paraplegia 7 (SPG7). Also called: Spastic paraplegia 7; Hereditary spastic paraplegia Paraplegin type; SPG7-related neurologic disorder; SPASTIC PARAPLEGIA 7, AUTOSOMAL RECESSIVE, WITH OR WITHOUT CEREBELLAR ATAXIA; Autosomal recessive spastic paraplegia type 7. Identifiers: Orphanet 99013, MedGen C1846564, MONDO:0011803, OMIM 607259.

Allele frequency attached by ClinVar (database versions not stated): TOPMed 0.00001; ExAC 0.00003.
gnomAD v4.1: 13 of 1,607,164 alleles (0.00081%); highest among the groups gnomAD compares: South Asian, 0.0055%; no homozygotes.

Submission:

Labcorp Genetics (formerly Invitae), Labcorp
Classification: Uncertain significance for Hereditary spastic paraplegia 7. Last evaluated: 2022-08-15. Review status: criteria provided, single submitter. Criteria: Invitae Variant Classification Sherloc (09022015). Collection method: clinical testing. Allele origin: germline.
Comment: This sequence change replaces alanine, which is neutral and non-polar, with threonine, which is neutral and polar, at codon 548 of the SPG7 protein (p.Ala548Thr). This variant is present in population databases (rs771640502, gnomAD 0.006%). This variant has not been reported in the literature in individuals affected with SPG7-related conditions. Advanced modeling of protein sequence and biophysical properties (such as structural, functional, and spatial information, amino acid conservation, physicochemical variation, residue mobility, and thermodynamic stability) performed at Invitae indicates that this missense variant is expected to disrupt SPG7 protein function. In summary, the available evidence is currently insufficient to determine the role of this variant in disease. Therefore, it has been classified as a Variant of Uncertain Significance.